The following is an entry in ClinVar:

ClinVar aggregate classification (germline): Benign/Likely benign. Review status: criteria provided, multiple submitters, no conflicts (2 of 4 stars). 2 submissions from 2 submitters: Benign (1); Likely benign (1). Last evaluated 2021-09-28.

Conditions:
Familial hyperaldosteronism type III. Also called: FH III; Familial hyperaldosteronism type 3. Identifiers: Orphanet 251274, MedGen C3838758, MONDO:0013359, OMIM 613677.

Allele frequency attached by ClinVar (database versions not stated): TOPMed 0.01046; 1000 Genomes Project 0.01258; 1000 Genomes Project 30x 0.01265.

Submissions (2):

GeneDx
Classification: Likely benign. Last evaluated: 2021-09-28. Review status: criteria provided, single submitter. Criteria: GeneDx Variant Classification Process June 2021. Collection method: clinical testing. Allele origin: germline. Affected: yes.

Illumina Laboratory Services, Illumina
Classification: Benign for Familial hyperaldosteronism type III. Last evaluated: 2018-01-13. Review status: criteria provided, single submitter. Criteria: ICSL Variant Classification Criteria 13 December 2019. Collection method: clinical testing. Allele origin: germline.
Comment: This variant was observed in the ICSL laboratory as part of a predisposition screen in an ostensibly healthy population. It had not been previously curated by ICSL or reported in the Human Gene Mutation Database (HGMD: prior to June 1st, 2018), and was therefore a candidate for classification through an automated scoring system. Utilizing variant allele frequency, disease prevalence and penetrance estimates, and inheritance mode, an automated score was calculated to assess if this variant is too frequent to cause the disease. Based on the score and internal cut-off values, a variant classified as benign is not then subjected to further curation. The score for this variant resulted in a classification of benign for this disease.

NM_000890.5(KCNJ5):c.*936C>T

Gene: KCNJ5 (potassium inwardly rectifying channel subfamily J member 5; plus strand). Cytogenetic location: 11q24.3.
Variant type: single nucleotide variant.
Coding change: c.*936C>T on transcript NM_000890.5 (MANE Select); 936 bases downstream of the stop codon, C replaced by T.
Molecular consequence: 3 prime UTR variant.
Genome position (GRCh38, 1-based): chr11:128,917,667, C>T. VCF-style: chr11-128917667-C-T. GRCh37 (hg19) VCF-style: chr11-128787562-C-T.
Other names: c.*936C>T (LRG_333t1, NM_001354169.2).
Identifiers: ClinVar variation 303654 (VCV000303654.7), dbSNP rs77525858, ClinGen allele CA10638522.